The following is an entry in ClinVar:

ClinVar aggregate classification (germline): Likely benign. Review status: criteria provided, multiple submitters, no conflicts (2 of 4 stars). 4 submissions from 4 submitters: Likely benign (4). Last evaluated 2025-05-27.

Allele frequency attached by ClinVar (database versions not stated): ExAC 0.00003; gnomAD 0.00003 and 0.00005; gnomAD exomes 0.00004 and 0.00005; TOPMed 0.00005; ESP Exome Variant Server 0.00008.
gnomAD v4.1: 74 of 1,613,824 alleles (0.0046%); highest among the groups gnomAD compares: Admixed American, 0.015%; no homozygotes.

Submissions (4):

Labcorp Genetics (formerly Invitae), Labcorp
Classification: Likely benign. Last evaluated: 2025-05-27. Review status: criteria provided, single submitter. Criteria: Invitae Variant Classification Sherloc (09022015). Collection method: clinical testing. Allele origin: germline.

Athena Diagnostics
Classification: Likely benign. Last evaluated: 2025-03-17. Review status: criteria provided, single submitter. Criteria: Athena Diagnostics Criteria. Collection method: clinical testing. Allele origin: unknown.
Comment: Computational tools yielded predictions that this variant is unlikely to have an effect on normal RNA splicing. This nucleotide position exhibits low evolutionary conservation.

GeneDx
Classification: Likely benign. Last evaluated: 2016-06-01. Review status: criteria provided, single submitter. Criteria: GeneDx Variant Classification (06012015). Collection method: clinical testing. Allele origin: germline. Affected: yes.
Comment: This variant is considered likely benign or benign based on one or more of the following criteria: it is a conservative change, it occurs at a poorly conserved position in the protein, it is predicted to be benign by multiple in silico algorithms, and/or has population frequency not consistent with disease.

Breakthrough Genomics
Classification: Likely benign. Review status: criteria provided, single submitter. Criteria: ACMG Guidelines, 2015. Collection method: not provided. Allele origin: germline. Inheritance: Autosomal recessive inheritance. Affected: yes.

NM_018109.4(MTPAP):c.1098A>G (p.Leu366=)

Gene: MTPAP (mitochondrial poly(A) polymerase; minus strand). Cytogenetic location: 10p11.23.
Variant type: single nucleotide variant.
Coding change: c.1098A>G on transcript NM_018109.4 (MANE Select); coding-DNA position 1098, A replaced by G.
Protein change: p.Leu366=; no amino-acid change (leucine 366 retained).
Molecular consequence: synonymous variant.
Genome position (GRCh38, 1-based): chr10:30,322,512, T>C on the plus strand (A>G on the coding strand, the complement: MTPAP is on the minus strand). VCF-style: chr10-30322512-T-C. GRCh37 (hg19) VCF-style: chr10-30611441-T-C.
Identifiers: ClinVar variation 386286 (VCV000386286.10), dbSNP rs375277572, ClinGen allele CA5459030.